The following is an entry in ClinVar:

ClinVar aggregate classification (germline): Uncertain significance. Review status: criteria provided, multiple submitters, no conflicts (2 of 4 stars). 2 submissions from 2 submitters: Uncertain significance (2). Last evaluated 2026-04-29.

Conditions:
Osteogenesis imperfecta type I (OI1). Also called: OI, TYPE I; OSTEOGENESIS IMPERFECTA TARDA; OSTEOGENESIS IMPERFECTA WITH BLUE SCLERAE; Osteogenesis imperfecta type 1; Lobstein's Disease; Lobstein disease. Identifiers: Orphanet 216796, Orphanet 666, MedGen C0023931, MONDO:0008146, OMIM 166200. Disease mechanism: loss of function.
Cardiovascular phenotype. Identifiers: MedGen CN230736.

gnomAD v4.1: 3 of 1,614,002 alleles (0.00019%); highest among the groups gnomAD compares: Non-Finnish European, 0.000085%; no homozygotes.

Submissions (2):

Ambry Genetics
Classification: Uncertain significance for Cardiovascular phenotype. Last evaluated: 2026-04-29. Review status: criteria provided, single submitter. Criteria: Ambry Variant Classification Scheme 2023. Collection method: clinical testing. Allele origin: germline.
Comment: The p.R1436C variant (also known as c.4306C>T), located in coding exon 51 of the COL1A1 gene, results from a C to T substitution at nucleotide position 4306. The arginine at codon 1436 is replaced by cysteine, an amino acid with highly dissimilar properties. This amino acid position is highly conserved in available vertebrate species. In addition, this alteration is predicted to be deleterious by in silico analysis. Based on the available evidence, the clinical significance of this variant remains unclear.

Labcorp Genetics (formerly Invitae), Labcorp
Classification: Uncertain significance for Osteogenesis imperfecta type I. Last evaluated: 2025-05-26. Review status: criteria provided, single submitter. Criteria: Invitae Variant Classification Sherloc (09022015). Collection method: clinical testing. Allele origin: germline.
Comment: This sequence change replaces arginine, which is basic and polar, with cysteine, which is neutral and slightly polar, at codon 1436 of the COL1A1 protein (p.Arg1436Cys). This variant is present in population databases (rs776631611, gnomAD 0.0009%). This variant has not been reported in the literature in individuals affected with COL1A1-related conditions. Invitae Evidence Modeling of protein sequence and biophysical properties (such as structural, functional, and spatial information, amino acid conservation, physicochemical variation, residue mobility, and thermodynamic stability) indicates that this missense variant is expected to disrupt COL1A1 protein function with a positive predictive value of 95%. In summary, the available evidence is currently insufficient to determine the role of this variant in disease. Therefore, it has been classified as a Variant of Uncertain Significance.

NM_000088.4(COL1A1):c.4306C>T (p.Arg1436Cys)

Gene: COL1A1 (collagen type I alpha 1 chain; minus strand). Cytogenetic location: 17q21.33.
Variant type: single nucleotide variant.
Coding change: c.4306C>T on transcript NM_000088.4 (MANE Select); coding-DNA position 4306, C replaced by T.
Protein change: p.Arg1436Cys; replaces arginine 1436 with cysteine.
Molecular consequence: missense variant.
Genome position (GRCh38, 1-based): chr17:50,185,591, G>A on the plus strand (C>T on the coding strand, the complement: COL1A1 is on the minus strand). VCF-style: chr17-50185591-G-A. GRCh37 (hg19) VCF-style: chr17-48262952-G-A.
Other names: short protein forms R1436C.
Identifiers: ClinVar variation 4711754 (VCV004711754.2).